The following is an entry in ClinVar:

NM_007294.4(BRCA1):c.301+2T>A

Gene: BRCA1 (BRCA1 DNA repair associated; minus strand). Cytogenetic location: 17q21.31.
Variant type: single nucleotide variant.
Coding change: c.301+2T>A on transcript NM_007294.4 (MANE Select); the canonical splice donor site of the intron after coding-DNA position 301, T replaced by A.
Molecular consequence: splice donor variant. On other transcripts: intron variant (5).
Genome position (GRCh38, 1-based): chr17:43,104,866, A>T on the plus strand (T>A on the coding strand, the complement: BRCA1 is on the minus strand). VCF-style: chr17-43104866-A-T. GRCh37 (hg19) VCF-style: chr17-41256883-A-T.
Other names: c.160+2T>A (NM_001407749.1, NM_001408501.1, NM_001408455.1 and 99 more transcripts); c.91+2T>A (NM_001407889.1, NM_001408513.1, NM_001407885.1 and 58 more transcripts); c.-218-10006T>A (NM_001407967.1, NM_001407966.1); c.-81+2T>A (NM_001407959.1, NM_001407962.1, NM_001408512.1 and 4 more transcripts); c.301+2T>A (NM_001407686.1, NM_001408397.1, NM_001407632.1 and 164 more transcripts); c.169+2T>A (NM_001408451.1); c.223+2T>A (NM_001408475.1, NM_001407875.1, NM_001407659.1 and 21 more transcripts); c.292+11T>A (NM_001408408.1, NM_001407647.1, NM_001407646.1).
Identifiers: ClinVar variation 868833 (VCV000868833.6), dbSNP rs1567811002, ClinGen allele CA10601549.

ClinVar aggregate classification (germline): Uncertain significance (1 of 4 stars; one submission).

Conditions:
Hereditary breast ovarian cancer syndrome. Also called: Hereditary breast and ovarian cancer; Hereditary breast and ovarian cancer syndrome (HBOC); Breast and ovarian cancer; Hereditary breast and/or ovarian cancer syndrome; BRCA1- and BRCA2-Associated Hereditary Breast and Ovarian Cancer; Hereditary breast and ovarian cancer syndrome. Identifiers: Orphanet 145, MedGen C0677776, MeSH D061325, MONDO:0003582. Disease mechanism: loss of function.

Submissions (2):

Labcorp Genetics (formerly Invitae), Labcorp
Classification: Uncertain significance for Hereditary breast ovarian cancer syndrome. Last evaluated: 2023-12-18. Review status: criteria provided, single submitter. Criteria: Invitae Variant Classification Sherloc (09022015). Collection method: clinical testing. Allele origin: germline.
Comment: This sequence change affects a donor splice site in intron 5 of the BRCA1 gene. RNA analysis indicates that disruption of this splice site induces altered splicing and likely results in the loss of 4 and insertion of 1 amino acid residue(s), but is expected to preserve the integrity of the reading-frame. This variant is not present in population databases (gnomAD no frequency). Disruption of this splice site has been observed in individual(s) with BRCA1-related conditions (PMID: 27836010, 29446198). ClinVar contains an entry for this variant (Variation ID: 868833). Algorithms developed to predict the effect of variants on protein structure and function are not available or were not evaluated for this variant. Experimental studies have shown that disruption of this splice site affects BRCA1 function (PMID: 30209399). Studies have shown that disruption of this splice site results in the activation of a cryptic splice site in exon 5 (Invitae). In summary, the available evidence is currently insufficient to determine the role of this variant in disease. Therefore, it has been classified as a Variant of Uncertain Significance.

Brotman Baty Institute, University of Washington
No classification provided (evidence only). Condition: Breast-ovarian cancer, familial 1. Review status: no classification provided. Collection method: in vitro. Allele origin: not applicable. Functional consequence: functionally_abnormal. Not counted in ClinVar's aggregate classification.
ClinVar note: "not provided" was previously submitted as the classification for the variant. However, the classification appeared to be based only on an observation of functional data so it was converted to no classification on 2025-07-30.

Literature cited by the submitters: PubMed 27836010 (cited by Labcorp Genetics (formerly Invitae), Labcorp); PubMed 29446198 (cited by Labcorp Genetics (formerly Invitae), Labcorp); PubMed 30209399 (cited by Labcorp Genetics (formerly Invitae), Labcorp).